The following is an entry in ClinVar:

NM_001625.4(AK2):c.-6G>A

Genes: AK2 (adenylate kinase 2; minus strand), LOC129930068 (ATAC-STARR-seq lymphoblastoid active region 705; plus strand). Cytogenetic location: 1p35.1.
Variant type: single nucleotide variant.
Coding change: c.-6G>A on transcript NM_001625.4 (MANE Select); 6 bases upstream of the start codon, G replaced by A.
Molecular consequence: 5 prime UTR variant. On other transcripts: non-coding transcript variant (1).
Genome position (GRCh38, 1-based): chr1:33,036,834, C>T on the plus strand (G>A on the coding strand, the complement: AK2 is on the minus strand). VCF-style: chr1-33036834-C-T. GRCh37 (hg19) VCF-style: chr1-33502435-C-T.
Other names: c.-6G>A (NM_001199199.3, NM_001319141.3, NM_001319142.3 and 2 more transcripts); c.-268G>A (NM_001319139.3, NM_001319140.2).
Identifiers: ClinVar variation 3356584 (VCV003356584.1).

ClinVar aggregate classification (germline): Likely benign (0 of 4 stars; one submission).

Conditions:
AK2-related disorder. Also called: AK2-related condition.

gnomAD v4.1: 1 of 1,586,232 alleles (0.000063%); highest among the groups gnomAD compares: Admixed American, 0.0018%; no homozygotes.

Submission:

PreventionGenetics, part of Exact Sciences
Classification: Likely benign for AK2-related condition. Last evaluated: 2024-05-01. Review status: no assertion criteria provided. Collection method: clinical testing. Allele origin: germline.
Comment: This variant is classified as likely benign based on ACMG/AMP sequence variant interpretation guidelines (Richards et al. 2015 PMID: 25741868, with internal and published modifications).